The following is an entry in ClinVar:

ClinVar aggregate classification (germline): Uncertain significance (1 of 4 stars; one submission).

Conditions:
ALG1-congenital disorder of glycosylation. Also called: CONGENITAL DISORDER OF GLYCOSYLATION, TYPE Ik; CDG Ik; ALG1-CDG. Identifiers: Orphanet 79327, MedGen C2931005, MONDO:0012052, OMIM 608540.

Submission:

Labcorp Genetics (formerly Invitae), Labcorp
Classification: Uncertain significance for ALG1-congenital disorder of glycosylation. Last evaluated: 2022-07-06. Review status: criteria provided, single submitter. Criteria: Invitae Variant Classification Sherloc (09022015). Collection method: clinical testing. Allele origin: germline.
Comment: This variant, c.809_832del, results in the deletion of 8 amino acid(s) of the ALG1 protein (p.Val270_Pro277del), but otherwise preserves the integrity of the reading frame. This variant is present in population databases (no rsID available, gnomAD 0.003%). This variant has not been reported in the literature in individuals affected with ALG1-related conditions. ClinVar contains an entry for this variant (Variation ID: 1406979). Experimental studies and prediction algorithms are not available or were not evaluated, and the functional significance of this variant is currently unknown. This variant disrupts the p.Arg276 amino acid residue in ALG1. Other variant(s) that disrupt this residue have been determined to be pathogenic (PMID: 20679665, 26931382; Invitae). This suggests that this residue is clinically significant, and that variants that disrupt this residue are likely to be disease-causing. In summary, the available evidence is currently insufficient to determine the role of this variant in disease. Therefore, it has been classified as a Variant of Uncertain Significance.

Literature cited by the submitters: PubMed 20679665; PubMed 26931382.

NM_019109.5(ALG1):c.809_832del (p.Val270_Pro277del)

Gene: ALG1 (ALG1 chitobiosyldiphosphodolichol beta-mannosyltransferase; plus strand). Cytogenetic location: 16p13.3.
Variant type: Deletion.
Coding change: c.809_832del on transcript NM_019109.5 (MANE Select); coding-DNA positions 809 to 832, 24 bases deleted (TGACGCGTCTCCGTGAGCGGCCAG).
Protein change: p.Val270_Pro277del.
Molecular consequence: inframe deletion.
Genome position (GRCh38, 1-based): chr16:5,078,825-5,078,848, TGACGCGTCTCCGTGAGCGGCCAG deleted; deleting any 24 consecutive bases within chr16:5,078,824-5,078,848 gives the same sequence; the c. name uses the placement nearest the transcript's 3' end. VCF-style (leftmost placement, unchanged base first): chr16-5078823-GGTGACGCGTCTCCGTGAGCGGCCA-G. GRCh37 (hg19) VCF-style: chr16-5128824-GGTGACGCGTCTCCGTGAGCGGCCA-G.
Other names: c.476_499del, p.Val159_Pro166del (NM_001330504.2).
Identifiers: ClinVar variation 1406979 (VCV001406979.5), dbSNP rs1206167331, ClinGen allele CA493335298.